The following is an entry in ClinVar:

ClinVar aggregate classification (germline): Uncertain significance. Review status: criteria provided, multiple submitters, no conflicts (2 of 4 stars). 3 submissions from 3 submitters: Uncertain significance (3). Last evaluated 2023-07-18.

Conditions:
Cowden syndrome 6 (CWS6). Identifiers: Orphanet 201, MedGen C3554519, MONDO:0014048, OMIM 615109.
Inborn genetic diseases. Identifiers: MedGen C0950123, MeSH D030342.

Allele frequency attached by ClinVar (database versions not stated): gnomAD 0.00001; gnomAD exomes 0.00001 and 0.00003; ExAC 0.00002; TOPMed 0.00002.
gnomAD v4.1: 13 of 1,612,792 alleles (0.00081%); highest among the groups gnomAD compares: Admixed American, 0.01%; no homozygotes.

Submissions (3):

Labcorp Genetics (formerly Invitae), Labcorp
Classification: Uncertain significance for Cowden syndrome 6. Last evaluated: 2023-07-18. Review status: criteria provided, single submitter. Criteria: Invitae Variant Classification Sherloc (09022015). Collection method: clinical testing. Allele origin: germline.
Comment: In summary, the available evidence is currently insufficient to determine the role of this variant in disease. Therefore, it has been classified as a Variant of Uncertain Significance. Algorithms developed to predict the effect of missense changes on protein structure and function output the following: SIFT: "Not Available"; PolyPhen-2: "Benign"; Align-GVGD: "Not Available". The arginine amino acid residue is found in multiple mammalian species, which suggests that this missense change does not adversely affect protein function. ClinVar contains an entry for this variant (Variation ID: 540891). This sequence change replaces glutamine, which is neutral and polar, with arginine, which is basic and polar, at codon 454 of the AKT1 protein (p.Gln454Arg). This variant is present in population databases (rs759702315, gnomAD 0.02%). This variant has not been reported in the literature in individuals affected with AKT1-related conditions.

Ambry Genetics
Classification: Uncertain significance for Inborn genetic diseases. Last evaluated: 2022-02-15. Review status: criteria provided, single submitter. Criteria: Ambry Variant Classification Scheme 2023. Collection method: clinical testing. Allele origin: germline.
Comment: The p.Q454R variant (also known as c.1361A>G), located in coding exon 12 of the AKT1 gene, results from an A to G substitution at nucleotide position 1361. The glutamine at codon 454 is replaced by arginine, an amino acid with highly similar properties. This amino acid position is conserved. In addition, this alteration is predicted to be tolerated by in silico analysis. Since supporting evidence is limited at this time, the clinical significance of this alteration remains unclear.

Mendelics
Classification: Uncertain significance for Cowden syndrome 6. Last evaluated: 2018-07-02. Review status: criteria provided, single submitter. Criteria: Mendelics Assertion Criteria 2017. Collection method: clinical testing. Allele origin: unknown.

NM_001382430.1(AKT1):c.1361A>G (p.Gln454Arg)

Gene: AKT1 (AKT serine/threonine kinase 1; minus strand). Cytogenetic location: 14q32.33.
Variant type: single nucleotide variant.
Coding change: c.1361A>G on transcript NM_001382430.1 (MANE Select); coding-DNA position 1361, A replaced by G.
Protein change: p.Gln454Arg; replaces glutamine 454 with arginine.
Molecular consequence: missense variant.
Genome position (GRCh38, 1-based): chr14:104,770,747, T>C on the plus strand (A>G on the coding strand, the complement: AKT1 is on the minus strand). VCF-style: chr14-104770747-T-C. GRCh37 (hg19) VCF-style: chr14-105237084-T-C.
Other names: c.1361A>G, p.Gln454Arg (NM_001014431.2, NM_001014432.2, NM_001382431.1 and 3 more transcripts); short protein forms Q454R.
Identifiers: ClinVar variation 540891 (VCV000540891.9), dbSNP rs759702315, ClinGen allele CA7374469.